The following is an entry in ClinVar:

ClinVar aggregate classification (germline): Uncertain significance (1 of 4 stars; one submission).

Submission:

GeneDx
Classification: Uncertain significance. Last evaluated: 2024-06-14. Review status: criteria provided, single submitter. Criteria: GeneDx Variant Classification Process June 2021. Collection method: clinical testing. Allele origin: germline. Affected: yes.
Comment: Not observed at significant frequency in large population cohorts (gnomAD); In silico analysis supports that this missense variant has a deleterious effect on protein structure/function; Has not been previously published as pathogenic or benign to our knowledge

NM_001042424.3(NSD2):c.3295G>C (p.Glu1099Gln)

Gene: NSD2 (nuclear receptor binding SET domain protein 2; plus strand). Cytogenetic location: 4p16.3.
Variant type: single nucleotide variant.
Coding change: c.3295G>C on transcript NM_001042424.3 (MANE Select); coding-DNA position 3295, G replaced by C.
Protein change: p.Glu1099Gln; replaces glutamic acid 1099 with glutamine.
Molecular consequence: missense variant.
Genome position (GRCh38, 1-based): chr4:1,961,074, G>C. VCF-style: chr4-1961074-G-C. GRCh37 (hg19) VCF-style: chr4-1962801-G-C.
Other names: c.3295G>C, p.Glu1099Gln (NM_133330.3, NM_133331.3, NM_133335.4); short protein forms E1099Q.
Identifiers: ClinVar variation 3390540 (VCV003390540.1).